The following is an entry in ClinVar:

ClinVar aggregate classification (germline): Uncertain significance (1 of 4 stars; one submission).

Submission:

Labcorp Genetics (formerly Invitae), Labcorp
Classification: Uncertain significance. Last evaluated: 2026-01-19. Review status: criteria provided, single submitter. Criteria: Invitae Variant Classification Sherloc (09022015). Collection method: clinical testing. Allele origin: germline.
Comment: This sequence change replaces cysteine, which is neutral and slightly polar, with serine, which is neutral and polar, at codon 728 of the RNF43 protein (p.Cys728Ser). This variant is not present in population databases (gnomAD no frequency). This variant has not been reported in the literature in individuals affected with RNF43-related conditions. An algorithm developed to predict the effect of missense changes on protein structure and function (PolyPhen-2) suggests that this variant is likely to be disruptive. In summary, the available evidence is currently insufficient to determine the role of this variant in disease. Therefore, it has been classified as a Variant of Uncertain Significance.

NM_017763.6(RNF43):c.2183G>C (p.Cys728Ser)

Gene: RNF43 (ring finger protein 43; minus strand). Cytogenetic location: 17q22.
Variant type: single nucleotide variant.
Coding change: c.2183G>C on transcript NM_017763.6 (MANE Select); coding-DNA position 2183, G replaced by C.
Protein change: p.Cys728Ser; replaces cysteine 728 with serine.
Molecular consequence: missense variant.
Genome position (GRCh38, 1-based): chr17:58,357,593, C>G on the plus strand (G>C on the coding strand, the complement: RNF43 is on the minus strand). VCF-style: chr17-58357593-C-G. GRCh37 (hg19) VCF-style: chr17-56434954-C-G.
Other names: c.2183G>C, p.Cys728Ser (NM_001305544.3, NM_001438820.1, NM_001438821.1 and 1 more transcripts); c.1802G>C, p.Cys601Ser (NM_001305545.2, NM_001437987.1); short protein forms C601S, C728S.
Identifiers: ClinVar variation 4735686 (VCV004735686.1).
Genomic context (GRCh38, chr17:58,357,593, plus strand): 5'-CTCCATTCAGAAGGCCCCTCCCCAGGTGGATGTGGTTCCAGGGGCTGGCGAGGAGTCAGG[C>G]ACAACCACACTGGCTGTGAATTTGAGTAACAGGGGCCTGGGGTTTCTGGTAGCAGCCTCT-3'
Protein context (NP_060233.3, residues 718-738): CYSNSQPVWL[Cys728Ser]LTPRQPLEPH